The following is an entry in ClinVar:

ClinVar aggregate classification (germline): Uncertain significance. Review status: criteria provided, multiple submitters, no conflicts (2 of 4 stars). 2 submissions from 2 submitters: Uncertain significance (2). Last evaluated 2026-07-06.

Conditions:
Hereditary cancer-predisposing syndrome. Also called: Tumor predisposition; Hereditary Cancer Syndrome; Hereditary neoplastic syndrome; Neoplastic Syndromes, Hereditary. Identifiers: Orphanet 140162, MedGen C0027672, MeSH D009386, MONDO:0015356.
Hereditary pheochromocytoma and paraganglioma. Also called: Hereditary paragangliomas and pheochromocytomas; Hereditary pheochromocytoma-paraganglioma; Hereditary Paraganglioma-Pheochromocytoma Syndromes. Identifiers: Orphanet 29072, MedGen C4274332, MONDO:0017366.

Submissions (2):

Ambry Genetics
Classification: Uncertain significance for Hereditary cancer-predisposing syndrome. Last evaluated: 2026-07-06. Review status: criteria provided, single submitter. Criteria: Ambry Variant Classification Scheme 2023. Collection method: clinical testing. Allele origin: germline.
Comment: The p.E163A variant (also known as c.488A>C), located in coding exon 4 of the SDHAF2 gene, results from an A to C substitution at nucleotide position 488. The glutamic acid at codon 163 is replaced by alanine, an amino acid with dissimilar properties. This amino acid position is conserved. In addition, the in silico prediction for this alteration is inconclusive. Based on the available evidence, the clinical significance of this variant remains unclear.

Labcorp Genetics (formerly Invitae), Labcorp
Classification: Uncertain significance for Hereditary pheochromocytoma and paraganglioma. Last evaluated: 2022-11-08. Review status: criteria provided, single submitter. Criteria: Invitae Variant Classification Sherloc (09022015). Collection method: clinical testing. Allele origin: germline.
Comment: In summary, the available evidence is currently insufficient to determine the role of this variant in disease. Therefore, it has been classified as a Variant of Uncertain Significance. Algorithms developed to predict the effect of missense changes on protein structure and function are either unavailable or do not agree on the potential impact of this missense change (SIFT: "Tolerated"; PolyPhen-2: "Possibly Damaging"; Align-GVGD: "Class C0"). This variant has not been reported in the literature in individuals affected with SDHAF2-related conditions. This variant is not present in population databases (gnomAD no frequency). This sequence change replaces glutamic acid, which is acidic and polar, with alanine, which is neutral and non-polar, at codon 163 of the SDHAF2 protein (p.Glu163Ala).

NM_017841.4(SDHAF2):c.488A>C (p.Glu163Ala)

Gene: SDHAF2 (succinate dehydrogenase complex assembly factor 2; plus strand). Cytogenetic location: 11q12.2.
Variant type: single nucleotide variant.
Coding change: c.488A>C on transcript NM_017841.4 (MANE Select); coding-DNA position 488, A replaced by C.
Protein change: p.Glu163Ala; replaces glutamic acid 163 with alanine.
Molecular consequence: missense variant.
Genome position (GRCh38, 1-based): chr11:61,446,058, A>C. VCF-style: chr11-61446058-A-C. GRCh37 (hg19) VCF-style: chr11-61213530-A-C.
Other names: short protein forms E163A.
Identifiers: ClinVar variation 2115965 (VCV002115965.5), dbSNP rs2540133161, ClinGen allele CA380685631.